The following is an entry in ClinVar:

ClinVar aggregate classification (germline): Uncertain significance. Review status: criteria provided, multiple submitters, no conflicts (2 of 4 stars). 2 submissions from 2 submitters: Uncertain significance (2). Last evaluated 2025-08-21.

Conditions:
Inborn genetic diseases. Identifiers: MedGen C0950123, MeSH D030342.

gnomAD v4.1: 1 of 1,614,122 alleles (0.000062%); highest among the groups gnomAD compares: Non-Finnish European, 0.000085%; no homozygotes.

Submissions (2):

Ambry Genetics
Classification: Uncertain significance for Inborn genetic diseases. Last evaluated: 2025-08-21. Review status: criteria provided, single submitter. Criteria: Ambry Variant Classification Scheme 2023. Collection method: clinical testing. Allele origin: germline.

GeneDx
Classification: Uncertain significance. Last evaluated: 2025-07-11. Review status: criteria provided, single submitter. Criteria: GeneDx Variant Classification Process June 2021. Collection method: clinical testing. Allele origin: germline. Affected: yes.
Comment: Not observed at significant frequency in large population cohorts (gnomAD); In silico analysis supports that this missense variant has a deleterious effect on protein structure/function; Has not been previously published as pathogenic or benign to our knowledge

NM_004046.6(ATP5F1A):c.1028A>G (p.Tyr343Cys)

Gene: ATP5F1A (ATP synthase F1 subunit alpha; minus strand). Cytogenetic location: 18q21.1.
Variant type: single nucleotide variant.
Coding change: c.1028A>G on transcript NM_004046.6 (MANE Select); coding-DNA position 1028, A replaced by G.
Protein change: p.Tyr343Cys; replaces tyrosine 343 with cysteine.
Molecular consequence: missense variant.
Genome position (GRCh38, 1-based): chr18:46,087,156, T>C on the plus strand (A>G on the coding strand, the complement: ATP5F1A is on the minus strand). VCF-style: chr18-46087156-T-C. GRCh37 (hg19) VCF-style: chr18-43667122-T-C.
Other names: c.878A>G, p.Tyr293Cys (NM_001001935.3, NM_001257335.2); c.1028A>G, p.Tyr343Cys (NM_001001937.2); c.962A>G, p.Tyr321Cys (NM_001257334.2); short protein forms Y293C, Y321C, Y343C.
Identifiers: ClinVar variation 2574476 (VCV002574476.4), dbSNP rs779987146, ClinGen allele CA402354837.